The following is an entry in ClinVar:

ClinVar aggregate classification (germline): Uncertain significance (1 of 4 stars; one submission).

Conditions:
CHARGE syndrome (CHARGE). Also called: Coloboma, heart anomaly, choanal atresia, retardation, genital and ear anomalies; CHARGE association; Hall-Hittner syndrome; Hittner Hirsch Kreh syndrome; CHARGE ASSOCIATION--COLOBOMA, HEART ANOMALY, CHOANAL ATRESIA, RETARDATION, GENITAL AND EAR ANOMALIES. Identifiers: Orphanet 138, MedGen C0265354, MONDO:0008965.

Submission:

MGZ Medical Genetics Center
Classification: Uncertain significance for CHD7-related CHARGE syndrome. Last evaluated: 2021-12-21. Review status: criteria provided, single submitter. Criteria: ACMG Guidelines, 2015. Collection method: clinical testing. Allele origin: germline. Affected: yes. Observed: 1 variant allele.
Comment: ACMG criteria applied: PM2_SUP, PP2, PP3

NM_017780.4(CHD7):c.5935T>C (p.Ser1979Pro)

Gene: CHD7 (chromodomain helicase DNA binding protein 7; plus strand). Cytogenetic location: 8q12.2.
Variant type: single nucleotide variant.
Coding change: c.5935T>C on transcript NM_017780.4 (MANE Select); coding-DNA position 5935, T replaced by C.
Protein change: p.Ser1979Pro; replaces serine 1979 with proline.
Molecular consequence: missense variant. On other transcripts: intron variant (1).
Genome position (GRCh38, 1-based): chr8:60,852,538, T>C. VCF-style: chr8-60852538-T-C. GRCh37 (hg19) VCF-style: chr8-61765097-T-C.
Other names: c.1717-9691T>C (NM_001316690.1); short protein forms S1979P.
Identifiers: ClinVar variation 1709132 (VCV001709132.2), dbSNP rs2488035516, ClinGen allele CA371323742.
Genomic context (GRCh38, chr8:60,852,538, plus strand): 5'-TAATATAATCTTTCTAACAGGTGGACAAGAAGAGAAGAGGCTGATTTTTACCGTGTGGTA[T>C]CCACCTTTGGGGTTATTTTTGACCCTGTGAAACAGCAATTTGACTGGAACCAATTTAGAG-3'
Protein context (NP_060250.2, residues 1969-1989): REEADFYRVV[Ser1979Pro]TFGVIFDPVK